The following is an entry in ClinVar:

ClinVar aggregate classification (germline): Likely benign (1 of 4 stars; one submission).

Allele frequency attached by ClinVar (database versions not stated): gnomAD exomes 0.00005; ExAC 0.00009; 1000 Genomes Project 30x 0.00016; 1000 Genomes Project 0.00020; ESP Exome Variant Server 0.00040; gnomAD 0.00040; TOPMed 0.00044.
gnomAD v4.1: 154 of 1,614,020 alleles (0.0095%); highest among the groups gnomAD compares: African/African-American, 0.16%; no homozygotes.

Submission:

CeGaT Center for Human Genetics Tuebingen
Classification: Likely benign. Last evaluated: 2022-04-01. Review status: criteria provided, single submitter. Criteria: CeGaT Center For Human Genetics Tuebingen Variant Classification Criteria Version 2. Collection method: clinical testing. Allele origin: germline. Affected: yes. Observed: 1 variant allele.
Comment: COL6A6: BP4, BP7

NM_001102608.3(COL6A6):c.3243T>G (p.Ala1081=)

Gene: COL6A6 (collagen type VI alpha 6 chain; plus strand). Cytogenetic location: 3q22.1.
Variant type: single nucleotide variant.
Coding change: c.3243T>G on transcript NM_001102608.3 (MANE Select); coding-DNA position 3243, T replaced by G.
Protein change: p.Ala1081=; no amino-acid change (alanine 1081 retained).
Molecular consequence: synonymous variant.
Genome position (GRCh38, 1-based): chr3:130,574,221, T>G. VCF-style: chr3-130574221-T-G. GRCh37 (hg19) VCF-style: chr3-130293065-T-G.
Identifiers: ClinVar variation 2654140 (VCV002654140.24), dbSNP rs376651026, ClinGen allele CA2612572.
Genomic context (GRCh38, chr3:130,574,221, plus strand): 5'-AGAGATATCATTTCAGATTGAAAACATCAAGCAGATCTTTGGAAACACACACATCGGTGC[T>G]GCACTCAGGGAGGTGGAACATTACTTCAGGCCAGACATGGGCAGCAGGATAAATACAGGT-3'
Protein context (NP_001096078.1, residues 1071-1091): KQIFGNTHIG[Ala1081=]ALREVEHYFR